The following is an entry in ClinVar:

ClinVar aggregate classification (germline): Uncertain significance (1 of 4 stars; one submission).

Allele frequency attached by ClinVar (database versions not stated): TOPMed below 0.00001.

Submission:

Labcorp Genetics (formerly Invitae), Labcorp
Classification: Uncertain significance. Last evaluated: 2023-07-13. Review status: criteria provided, single submitter. Criteria: Invitae Variant Classification Sherloc (09022015). Collection method: clinical testing. Allele origin: germline.
Comment: In summary, the available evidence is currently insufficient to determine the role of this variant in disease. Therefore, it has been classified as a Variant of Uncertain Significance. An algorithm developed to predict the effect of missense changes on protein structure and function (PolyPhen-2) suggests that this variant is likely to be disruptive. This variant has not been reported in the literature in individuals affected with ZNF407-related conditions. This variant is not present in population databases (gnomAD no frequency). This sequence change replaces histidine, which is basic and polar, with arginine, which is basic and polar, at codon 1609 of the ZNF407 protein (p.His1609Arg).

NM_017757.3(ZNF407):c.4826A>G (p.His1609Arg)

Gene: ZNF407 (zinc finger protein 407; plus strand). Cytogenetic location: 18q22.3.
Variant type: single nucleotide variant.
Coding change: c.4826A>G on transcript NM_017757.3 (MANE Select); coding-DNA position 4826, A replaced by G.
Protein change: p.His1609Arg; replaces histidine 1609 with arginine.
Molecular consequence: missense variant.
Genome position (GRCh38, 1-based): chr18:74,781,451, A>G. VCF-style: chr18-74781451-A-G. GRCh37 (hg19) VCF-style: chr18-72493407-A-G.
Other names: c.4826A>G, p.His1609Arg (NM_001146189.1, NM_001146190.1, NM_001384475.1); short protein forms H1609R.
Identifiers: ClinVar variation 2742927 (VCV002742927.3), dbSNP rs1969599798, ClinGen allele CA403068464.